The following is an entry in ClinVar:

NM_001394062.1(MACF1):c.13997A>G (p.Glu4666Gly)

Gene: MACF1 (microtubule actin crosslinking factor 1; plus strand). Cytogenetic location: 1p34.3.
Variant type: single nucleotide variant.
Coding change: c.13997A>G on transcript NM_001394062.1 (MANE Select); coding-DNA position 13997, A replaced by G.
Protein change: p.Glu4666Gly; replaces glutamic acid 4666 with glycine.
Molecular consequence: missense variant.
Genome position (GRCh38, 1-based): chr1:39,385,582, A>G. VCF-style: chr1-39385582-A-G. GRCh37 (hg19) VCF-style: chr1-39851254-A-G.
Other names: c.7811A>G, p.Glu2604Gly (NM_012090.5); short protein forms E2604G, E4666G.
Identifiers: ClinVar variation 5041461 (VCV005041461.1).
Genomic context (GRCh38, chr1:39,385,582, plus strand): 5'-TCTCTCTGTCCACCAGCCAAGTACAGAAAGAACTCCAGAGCATCAATCAGAAATGGGTTG[A>G]GCTGACTGACAAACTCAACTCCCGTTCCAGCCAAATTGACCAAGCTATTGTTAAGAGCAC-3'
Protein context (NP_001380991.1, residues 4656-4676): ELQSINQKWV[Glu4666Gly]LTDKLNSRSS

ClinVar aggregate classification (germline): Likely benign (1 of 4 stars; one submission).

gnomAD v4.1: 8 of 1,614,054 alleles (0.0005%); highest among the groups gnomAD compares: Middle Eastern, 0.082%; no homozygotes.

Submission:

CeGaT Center for Human Genetics Tuebingen
Classification: Likely benign. Last evaluated: 2026-09-01. Review status: criteria provided, single submitter. Criteria: CeGaT Center For Human Genetics Tuebingen Variant Classification Criteria Version 2. Collection method: clinical testing. Allele origin: germline. Affected: yes. Observed: 1 variant allele.
Comment: MACF1: BP4